The following is an entry in ClinVar:

NM_001613.4(ACTA2):c.586del (p.Thr196fs)

Gene: ACTA2 (actin alpha 2, smooth muscle; minus strand). Cytogenetic location: 10q23.31.
Variant type: Deletion.
Coding change: c.586del on transcript NM_001613.4 (MANE Select); coding-DNA position 586, one base deleted (A; older notation c.586delA).
Protein change: p.Thr196fs; shifts the reading frame from threonine 196.
Molecular consequence: frameshift variant.
Genome position (GRCh38, 1-based): chr10:88,941,259, T deleted on the plus strand (A on the coding strand, the reverse complement: ACTA2 is on the minus strand). VCF-style (leftmost placement, unchanged base first): chr10-88941258-GT-G. GRCh37 (hg19) VCF-style: chr10-90701015-GT-G.
Other names: c.586delA, p.Thr196Leufs (NM_001141945.3, NM_001320855.2, NM_001406462.1 and 3 more transcripts); c.475delA, p.Thr159Leufs (NM_001406466.1); c.457delA, p.Thr153Leufs (NM_001406467.1, NM_001406468.1, NM_001406469.1); short protein forms T196fs.
Identifiers: ClinVar variation 926270 (VCV000926270.5), dbSNP rs1845843384, ClinGen allele CA913188332.

ClinVar aggregate classification (germline): Uncertain significance (1 of 4 stars; one submission).

Conditions:
Familial thoracic aortic aneurysm and aortic dissection (TAAD). Also called: Thoracic aortic aneurysms and dissections. Identifiers: Orphanet 91387, MedGen C4707243, MONDO:0019625.

Submission:

Color Diagnostics, LLC DBA Color Health
Classification: Uncertain significance for Familial thoracic aortic aneurysm and aortic dissection. Last evaluated: 2019-04-15. Review status: criteria provided, single submitter. Criteria: ACMG Guidelines, 2015. Collection method: clinical testing. Allele origin: germline.
Comment: This variant deletes 1 nucleotide in exon 6 of the ACTA2 gene, creating a frameshift and premature translation stop signal. This variant is expected to result in an absent or non-functional protein product. Computational splicing tools suggest that this variant may not impact RNA splicing. To our knowledge, functional assays have not been performed for this variant nor has this variant been reported in individuals affected with cardiovascular disorders in the literature. This variant has not been identified in the general population by the Genome Aggregation Database (gnomAD). Disease-causing variants in ACTA2 are mostly missense variants that act in a dominant-negative manner. The role of ACTA2 truncation variants in cardiomyopathy is not clearly established. Available evidence is insufficient to determine the role of this variant in disease conclusively. Therefore, this variant is classified as a Variant of Uncertain Significance.